The following is an entry in ClinVar:

ClinVar aggregate classification (germline): Pathogenic/Likely pathogenic. Review status: criteria provided, multiple submitters, no conflicts (2 of 4 stars). 7 submissions from 7 submitters: Pathogenic (2); Likely pathogenic (3). 2 of the submissions do not count toward it. Last evaluated 2025-07-25.

Conditions:
PAH-related disorder. Also called: PAH-related condition.
Phenylketonuria (PKU). Also called: FOLLING DISEASE; Phenylketonurias; OLIGOPHRENIA PHENYLPYRUVICA; Phenylketonuria (PKU). Identifiers: Orphanet 716, MedGen C0031485, MONDO:0009861, OMIM 261600. Disease mechanism: loss of function.

Submissions (7):

Natera, Inc.
Classification: Likely pathogenic for Phenylketonuria. Last evaluated: 2025-07-25. Review status: criteria provided, single submitter. Criteria: Natera Variant Classification Schema (03/2026). Collection method: clinical testing. Allele origin: germline.
Comment: The c.1355dupA variant in PAH is a frameshift affecting the termination codon and is predicted to elongate the protein beyond the termination codon. This variant is rare in the general population with a frequency below the threshold expected for the associated phenotype(s). This variant has been observed in one or more individuals affected with the associated recessive disease, as either homozygous or compound heterozygous with a second variant (PMID: 23430918, 14722928). Given the available evidence, this variant is classified as Likely Pathogenic.

Labcorp Genetics (formerly Invitae), Labcorp
Classification: Likely pathogenic for Phenylketonuria. Last evaluated: 2024-04-18. Review status: criteria provided, single submitter. Criteria: Invitae Variant Classification Sherloc (09022015). Collection method: clinical testing. Allele origin: germline.
Comment: This sequence change results in a frameshift in the PAH gene (p.*453Valext*35). While this is not anticipated to result in nonsense mediated decay, it is expected to extend the length of the PAH protein by 35 additional amino acid residues. This variant is not present in population databases (gnomAD no frequency). This frameshift has been observed in individual(s) with mild phenylketonuria (PMID: 14722928). ClinVar contains an entry for this variant (Variation ID: 102596). In summary, the currently available evidence indicates that the variant is pathogenic, but additional data are needed to prove that conclusively. Therefore, this variant has been classified as Likely Pathogenic.

Blueprint Genetics
Classification: Pathogenic for PAH-related disorders. Last evaluated: 2023-07-03. Review status: criteria provided, single submitter. Criteria: ACMG Guidelines, 2015. Collection method: clinical testing. Allele origin: germline. Affected: yes. Observed: 2 variant alleles.

Women's Health and Genetics/Laboratory Corporation of America, LabCorp
Classification: Likely pathogenic for Phenylketonuria. Last evaluated: 2023-02-13. Review status: criteria provided, single submitter. Criteria: LabCorp Variant Classification Summary - May 2015. Collection method: clinical testing. Allele origin: germline.
Comment: Variant summary: PAH c.1355dupA (p.X453ValfsX36) causes a frameshift which results in an extension of the protein. The variant was absent in 251194 control chromosomes (gnomAD). c.1355dupA has been reported in the literature in individuals affected with Phenylalanine Hydroxylase Deficiency (Phenylketonuria) (examples: AulehlaScholz_2003, Chien_2004, Sarkissian_2012, Reblova_2013). These data indicate that the variant may be associated with disease. To our knowledge, no experimental evidence demonstrating an impact on protein function has been reported. Two clinical diagnostic laboratories have submitted clinical-significance assessments for this variant to ClinVar after 2014 and both classified the variant as pathogenic/likely pathogenic. Based on the evidence outlined above, the variant was classified as likely pathogenic.

CeGaT Center for Human Genetics Tuebingen
Classification: Pathogenic. Last evaluated: 2019-10-01. Review status: criteria provided, single submitter. Criteria: CeGaT Center For Human Genetics Tuebingen Variant Classification Criteria Version 2. Collection method: clinical testing. Allele origin: germline. Affected: yes. Observed: 1 variant allele.

Counsyl
Classification: Likely pathogenic for Phenylketonuria. Last evaluated: 2014-12-22. Review status: no assertion criteria provided. Collection method: literature only. Allele origin: unknown. Inheritance: Autosomal recessive inheritance. Not counted in ClinVar's aggregate classification.

DeBelle Laboratory for Biochemical Genetics, MUHC/MCH RESEARCH INSTITUTE
No classification provided. Review status: no classification provided. Collection method: not provided. Allele origin: not provided. Not counted in ClinVar's aggregate classification.

Literature cited by the submitters: PubMed 23430918 (cited by 3 submitters); PubMed 14722928 (cited by 4 submitters); PubMed 23357515 (cited by Women's Health and Genetics/Laboratory Corporation of America, LabCorp and Counsyl); PubMed 9634518 (cited by Women's Health and Genetics/Laboratory Corporation of America, LabCorp and Counsyl); PubMed 12655553 (cited by Women's Health and Genetics/Laboratory Corporation of America, LabCorp and Counsyl); PubMed 10394930 (cited by Women's Health and Genetics/Laboratory Corporation of America, LabCorp and Counsyl).

NM_000277.3(PAH):c.1355dup (p.Ter453ValextTer?)

Gene: PAH (phenylalanine hydroxylase; minus strand). Cytogenetic location: 12q23.2.
Variant type: Duplication.
Coding change: c.1355dup on transcript NM_000277.3 (MANE Select); coding-DNA position 1355, one base duplicated (A; older notation c.1355dupA).
Protein change: p.Ter453ValextTer?.
Molecular consequence: frameshift variant.
Genome position (GRCh38, 1-based): chr12:102,839,179, T duplicated on the plus strand (A on the coding strand, the reverse complement: PAH is on the minus strand); the first of 3 consecutive T bases (chr12:102,839,179-102,839,181); duplicating any one gives the same sequence. VCF-style (leftmost placement, unchanged base first): chr12-102839178-C-CT. GRCh37 (hg19) VCF-style: chr12-103232956-C-CT.
Other names: c.1355dup, p.Ter453ValextTer? (NM_001354304.2); c.1355dup (NM_000277.1); c.1355dupA (NM_000277.2).
Identifiers: ClinVar variation 102596 (VCV000102596.55), dbSNP rs199475641, ClinGen allele CA229438.